The following is an entry in ClinVar:

NM_014264.5(PLK4):c.1778C>T (p.Pro593Leu)

Gene: PLK4 (polo like kinase 4; plus strand). Cytogenetic location: 4q28.1.
Variant type: single nucleotide variant.
Coding change: c.1778C>T on transcript NM_014264.5 (MANE Select); coding-DNA position 1778, C replaced by T.
Protein change: p.Pro593Leu; replaces proline 593 with leucine.
Molecular consequence: missense variant.
Genome position (GRCh38, 1-based): chr4:127,890,184, C>T. VCF-style: chr4-127890184-C-T. GRCh37 (hg19) VCF-style: chr4-128811339-C-T.
Other names: c.1682C>T, p.Pro561Leu (NM_001190799.2); c.1655C>T, p.Pro552Leu (NM_001190801.2); short protein forms P552L, P593L, P561L.
Identifiers: ClinVar variation 1515751 (VCV001515751.4), dbSNP rs758788742, ClinGen allele CA3076839.

ClinVar aggregate classification (germline): Uncertain significance (1 of 4 stars; one submission).

Allele frequency attached by ClinVar (database versions not stated): ExAC 0.00001; gnomAD 0.00001 and 0.00002; gnomAD exomes 0.00001 and 0.00002.
gnomAD v4.1: 35 of 1,613,156 alleles (0.0022%); highest among the groups gnomAD compares: East Asian, 0.0089%; no homozygotes.

Submission:

Labcorp Genetics (formerly Invitae), Labcorp
Classification: Uncertain significance. Last evaluated: 2022-08-16. Review status: criteria provided, single submitter. Criteria: Invitae Variant Classification Sherloc (09022015). Collection method: clinical testing. Allele origin: germline.
Comment: In summary, the available evidence is currently insufficient to determine the role of this variant in disease. Therefore, it has been classified as a Variant of Uncertain Significance. Algorithms developed to predict the effect of missense changes on protein structure and function are either unavailable or do not agree on the potential impact of this missense change (SIFT: "Deleterious"; PolyPhen-2: "Probably Damaging"; Align-GVGD: "Class C0"). ClinVar contains an entry for this variant (Variation ID: 1515751). This variant has not been reported in the literature in individuals affected with PLK4-related conditions. This variant is present in population databases (rs758788742, gnomAD 0.005%). This sequence change replaces proline, which is neutral and non-polar, with leucine, which is neutral and non-polar, at codon 593 of the PLK4 protein (p.Pro593Leu).